The following is an entry in ClinVar:

NM_003072.5(SMARCA4):c.4350A>G (p.Lys1450=)

Gene: SMARCA4 (SWI/SNF related BAF chromatin remodeling complex subunit ATPase 4; plus strand). Cytogenetic location: 19p13.2.
Variant type: single nucleotide variant.
Coding change: c.4350A>G on transcript NM_003072.5 (MANE Select); coding-DNA position 4350, A replaced by G.
Protein change: p.Lys1450=; no amino-acid change (lysine 1450 retained).
Molecular consequence: synonymous variant. On other transcripts: non-coding transcript variant (1).
Genome position (GRCh38, 1-based): chr19:11,041,486, A>G. VCF-style: chr19-11041486-A-G. GRCh37 (hg19) VCF-style: chr19-11152162-A-G.
Other names: c.4350A>G, p.Lys1450= (NM_001128844.3); c.4260A>G, p.Lys1420= (NM_001128845.2, NM_001128846.2); c.4251A>G, p.Lys1417= (NM_001128847.4, NM_001128848.2, NM_001374457.1); c.4446A>G, p.Lys1482= (NM_001128849.3, NM_001387283.1); c.4347A>G, p.Lys1449= (NM_001411150.1); c.4446A>G (NM_001128849.1).
Identifiers: ClinVar variation 4083912 (VCV004083912.8).
Genomic context (GRCh38, chr19:11,041,486, plus strand): 5'-CCGCGACAAGGACGACGAGAGCAAGAAGCAGAAGAAGCGCGGGCGGCCGCCTGCCGAGAA[A>G]CTCTCCCCTAACCCACCCAACCTCACCAAGAAGATGAAGAAGATTGTGGATGCCGTGATC-3'
Protein context (NP_003063.2, residues 1440-1460): QKKRGRPPAE[Lys1450=]LSPNPPNLTK

ClinVar aggregate classification (germline): Likely benign. Review status: criteria provided, multiple submitters, no conflicts (2 of 4 stars). 2 submissions from 2 submitters: Likely benign (2). Last evaluated 2026-03-03.

Conditions:
Hereditary cancer-predisposing syndrome. Also called: Neoplastic Syndromes, Hereditary; Tumor predisposition; Hereditary Cancer Syndrome; Hereditary neoplastic syndrome. Identifiers: Orphanet 140162, MedGen C0027672, MeSH D009386, MONDO:0015356.

Submissions (2):

Ambry Genetics
Classification: Likely benign for Hereditary cancer-predisposing syndrome. Last evaluated: 2026-03-03. Review status: criteria provided, single submitter. Criteria: Ambry Variant Classification Scheme 2023. Collection method: clinical testing. Allele origin: germline.

CeGaT Center for Human Genetics Tuebingen
Classification: Likely benign. Last evaluated: 2025-08-01. Review status: criteria provided, single submitter. Criteria: CeGaT Center For Human Genetics Tuebingen Variant Classification Criteria Version 2. Collection method: clinical testing. Allele origin: germline. Affected: yes. Observed: 1 variant allele.
Comment: SMARCA4: PM2:Supporting, BP4, BP7